The following is an entry in ClinVar:

NM_006514.4(SCN10A):c.673A>C (p.Thr225Pro)

Gene: SCN10A (sodium voltage-gated channel alpha subunit 10; minus strand). Cytogenetic location: 3p22.2.
Variant type: single nucleotide variant.
Coding change: c.673A>C on transcript NM_006514.4 (MANE Select); coding-DNA position 673, A replaced by C.
Protein change: p.Thr225Pro; replaces threonine 225 with proline.
Molecular consequence: missense variant.
Genome position (GRCh38, 1-based): chr3:38,763,523, T>G on the plus strand (A>C on the coding strand, the complement: SCN10A is on the minus strand). VCF-style: chr3-38763523-T-G. GRCh37 (hg19) VCF-style: chr3-38805014-T-G.
Other names: c.673A>C, p.Thr225Pro (NM_001293306.2, NM_001293307.2); short protein forms T225P.
Identifiers: ClinVar variation 4808076 (VCV004808076.1).
Genomic context (GRCh38, chr3:38,763,523, plus strand): 5'-AGGCTGTGAAAACCAACATATGCTCTGTGAATAAATGCTCACCTGGGATCACAGAAACTG[T>G]TTTTAATGCTCTAAGAACTCTGAATGTCCGCAGGCCTGAGATCCCACGGAGATCTATTGC-3'
Protein context (NP_006505.4, residues 215-235): RTFRVLRALK[Thr225Pro]VSVIPGLKVI

ClinVar aggregate classification (germline): Uncertain significance (1 of 4 stars; one submission).

Conditions:
Brugada syndrome. Also called: Sudden unexpected nocturnal death syndrome; Sudden unexplained nocturnal death syndrome; Sudden Unexplained Death Syndrome; Sudden Unexplained Nocturnal Death Syndrome (SUNDS). Identifiers: Orphanet 130, MedGen C1142166, MONDO:0015263.

Submission:

Labcorp Genetics (formerly Invitae), Labcorp
Classification: Uncertain significance for Brugada syndrome. Last evaluated: 2025-11-23. Review status: criteria provided, single submitter. Criteria: Invitae Variant Classification Sherloc (09022015). Collection method: clinical testing. Allele origin: germline.
Comment: This sequence change replaces threonine, which is neutral and polar, with proline, which is neutral and non-polar, at codon 225 of the SCN10A protein (p.Thr225Pro). This variant is not present in population databases (gnomAD no frequency). This variant has not been reported in the literature in individuals affected with SCN10A-related conditions. Invitae Evidence Modeling of protein sequence and biophysical properties (such as structural, functional, and spatial information, amino acid conservation, physicochemical variation, residue mobility, and thermodynamic stability) indicates that this missense variant is expected to disrupt SCN10A protein function with a positive predictive value of 80%. In summary, the available evidence is currently insufficient to determine the role of this variant in disease. Therefore, it has been classified as a Variant of Uncertain Significance.